The following is an entry in ClinVar:

ClinVar aggregate classification (germline): Benign. Review status: criteria provided, multiple submitters, no conflicts (2 of 4 stars). 9 submissions from 9 submitters: Benign (8). 1 of the submissions does not count toward it. Last evaluated 2026-02-02.

Conditions:
Agenesis of the corpus callosum with peripheral neuropathy (ACCPN). Also called: Hereditary Motor and Sensory Neuropathy with Agenesis of the Corpus Callosum; POLYNEUROPATHY, SENSORIMOTOR, WITH OR WITHOUT AGENESIS OF THE CORPUS CALLOSUM; HMSN/ACC; CHARLEVOIX DISEASE. Identifiers: Orphanet 1496, MedGen C0795950, MONDO:0000902, OMIM 218000. Disease mechanism: loss of function.

Allele frequency attached by ClinVar (database versions not stated): gnomAD exomes 0.00076 and 0.00204; ExAC 0.00267; 1000 Genomes Project 0.00459; 1000 Genomes Project 30x 0.00500; gnomAD 0.00742 and 0.00816; TOPMed 0.00881; ESP Exome Variant Server 0.01016.
gnomAD v4.1: 2,262 of 1,607,864 alleles (0.14%); highest among the groups gnomAD compares: African/African-American, 2.5%; 23 homozygotes.

Submissions (9):

Labcorp Genetics (formerly Invitae), Labcorp
Classification: Benign. Last evaluated: 2026-02-02. Review status: criteria provided, single submitter. Criteria: Invitae Variant Classification Sherloc (09022015). Collection method: clinical testing. Allele origin: germline.

ARUP Laboratories, Molecular Genetics and Genomics, ARUP Laboratories
Classification: Benign. Last evaluated: 2023-09-21. Review status: criteria provided, single submitter. Criteria: ARUP Molecular Germline Variant Investigation Process 2024. Collection method: clinical testing. Allele origin: germline.

Genome-Nilou Lab
Classification: Benign for Agenesis of the corpus callosum with peripheral neuropathy. Last evaluated: 2021-07-15. Review status: criteria provided, single submitter. Criteria: ACMG Guidelines, 2015. Collection method: clinical testing. Allele origin: germline. Affected: no.

Illumina Laboratory Services, Illumina
Classification: Benign for Agenesis of the corpus callosum with peripheral neuropathy. Last evaluated: 2018-01-12. Review status: criteria provided, single submitter. Criteria: ICSL Variant Classification Criteria 13 December 2019. Collection method: clinical testing. Allele origin: germline.
Comment: This variant was observed in the ICSL laboratory as part of a predisposition screen in an ostensibly healthy population. It had not been previously curated by ICSL or reported in the Human Gene Mutation Database (HGMD: prior to June 1st, 2018), and was therefore a candidate for classification through an automated scoring system. Utilizing variant allele frequency, disease prevalence and penetrance estimates, and inheritance mode, an automated score was calculated to assess if this variant is too frequent to cause the disease. Based on the score and internal cut-off values, a variant classified as benign is not then subjected to further curation. The score for this variant resulted in a classification of benign for this disease.

GeneDx
Classification: Benign. Last evaluated: 2016-07-18. Review status: criteria provided, single submitter. Criteria: GeneDx Variant Classification (06012015). Collection method: clinical testing. Allele origin: germline. Affected: yes.
Comment: This variant is considered likely benign or benign based on one or more of the following criteria: it is a conservative change, it occurs at a poorly conserved position in the protein, it is predicted to be benign by multiple in silico algorithms, and/or has population frequency not consistent with disease.

Mayo Clinic Laboratories, Mayo Clinic
Classification: Benign. Last evaluated: 2016-04-20. Review status: criteria provided, single submitter. Criteria: ACMG Guidelines, 2015. Collection method: clinical testing. Allele origin: germline. Observed: 7 variant alleles.

Genetic Services Laboratory, University of Chicago
Classification: Benign. Last evaluated: 2013-02-08. Review status: criteria provided, single submitter. Criteria: ACMG Guidelines, 2007. Collection method: clinical testing. Allele origin: germline. Inheritance: Autosomal recessive inheritance.

Breakthrough Genomics
Classification: Benign. Review status: criteria provided, single submitter. Criteria: ACMG Guidelines, 2015. Collection method: not provided. Allele origin: germline. Inheritance: Autosomal recessive inheritance. Affected: yes.

Natera, Inc.
Classification: Benign for Andermann syndrome. Last evaluated: 2020-09-16. Review status: no assertion criteria provided. Collection method: clinical testing. Allele origin: germline. Not counted in ClinVar's aggregate classification.

NM_001365088.1(SLC12A6):c.1284C>T (p.Asn428=)

Gene: SLC12A6 (solute carrier family 12 member 6; minus strand). Cytogenetic location: 15q14.
Variant type: single nucleotide variant.
Coding change: c.1284C>T on transcript NM_001365088.1 (MANE Select); coding-DNA position 1284, C replaced by T.
Protein change: p.Asn428=; no amino-acid change (asparagine 428 retained).
Molecular consequence: synonymous variant.
Genome position (GRCh38, 1-based): chr15:34,252,219, G>A on the plus strand (C>T on the coding strand, the complement: SLC12A6 is on the minus strand). VCF-style: chr15-34252219-G-A. GRCh37 (hg19) VCF-style: chr15-34544420-G-A.
Other names: p.Asn428=; c.1107C>T, p.Asn369= (NM_001042494.2, NM_001042495.2); c.1257C>T, p.Asn419= (NM_001042496.2); c.1239C>T, p.Asn413= (NM_001042497.2); c.1131C>T, p.Asn377= (NM_005135.2); c.1284C>T, p.Asn428= (NM_133647.2).
Identifiers: ClinVar variation 159887 (VCV000159887.22), dbSNP rs34098566, ClinGen allele CA173422.